The following is an entry in ClinVar:

ClinVar aggregate classification (germline): Benign/Likely benign. Review status: criteria provided, multiple submitters, no conflicts (2 of 4 stars). 3 submissions from 3 submitters: Benign (2); Likely benign (1). Last evaluated 2022-12-01.

Allele frequency attached by ClinVar (database versions not stated): ESP Exome Variant Server 0.00319; 1000 Genomes Project 0.00359; 1000 Genomes Project 30x 0.00375; gnomAD 0.00421 and 0.00423; TOPMed 0.00465; gnomAD exomes 0.00507; ExAC 0.00749.
gnomAD v4.1: 8,109 of 1,563,342 alleles (0.52%); highest among the groups gnomAD compares: Admixed American, 0.64%; 36 homozygotes.

Submissions (3):

CeGaT Center for Human Genetics Tuebingen
Classification: Likely benign. Last evaluated: 2022-12-01. Review status: criteria provided, single submitter. Criteria: CeGaT Center For Human Genetics Tuebingen Variant Classification Criteria Version 2. Collection method: clinical testing. Allele origin: germline. Affected: yes. Observed: 1 variant allele.
Comment: INHA: BP4, BP7, BS2

Labcorp Genetics (formerly Invitae), Labcorp
Classification: Benign. Last evaluated: 2018-05-24. Review status: criteria provided, single submitter. Criteria: Invitae Variant Classification Sherloc (09022015). Collection method: clinical testing. Allele origin: germline.

Breakthrough Genomics
Classification: Benign. Review status: criteria provided, single submitter. Criteria: ACMG Guidelines, 2015. Collection method: not provided. Allele origin: germline. Inheritance: Unknown mechanism. Affected: yes.

NM_002191.4(INHA):c.195G>T (p.Gly65=)

Gene: INHA (inhibin subunit alpha; plus strand). Cytogenetic location: 2q35.
Variant type: single nucleotide variant.
Coding change: c.195G>T on transcript NM_002191.4 (MANE Select); coding-DNA position 195, G replaced by T.
Protein change: p.Gly65=; no amino-acid change (glycine 65 retained).
Molecular consequence: synonymous variant.
Genome position (GRCh38, 1-based): chr2:219,572,569, G>T. VCF-style: chr2-219572569-G-T. GRCh37 (hg19) VCF-style: chr2-220437291-G-T.
Identifiers: ClinVar variation 787656 (VCV000787656.28), dbSNP rs34400751, ClinGen allele CA2131921.
Genomic context (GRCh38, chr2:219,572,569, plus strand): 5'-GGTGACCAGGGAAGGTGGGGACCCTGGAGTCAGGCGGCTGCCCCGAAGACATGCCCTGGG[G>T]GGCTTCACACACAGGGGCTCTGAGCCCGAGGAAGAGGAGGATGTCTCCCAAGCCATCCTT-3'
Protein context (NP_002182.1, residues 55-75): VRRLPRRHAL[Gly65=]GFTHRGSEPE